The following is an entry in ClinVar:

NM_001303256.3(MORC2):c.2405G>A (p.Arg802His)

Gene: MORC2 (MORC family CW-type zinc finger 2; minus strand). Cytogenetic location: 22q12.2.
Variant type: single nucleotide variant.
Coding change: c.2405G>A on transcript NM_001303256.3 (MANE Select); coding-DNA position 2405, G replaced by A.
Protein change: p.Arg802His; replaces arginine 802 with histidine.
Molecular consequence: missense variant.
Genome position (GRCh38, 1-based): chr22:30,933,006, C>T on the plus strand (G>A on the coding strand, the complement: MORC2 is on the minus strand). VCF-style: chr22-30933006-C-T. GRCh37 (hg19) VCF-style: chr22-31328993-C-T.
Other names: c.2405G>A, p.Arg802His (NM_001303257.2); c.2219G>A, p.Arg740His (NM_014941.3); short protein forms R740H, R802H.
Identifiers: ClinVar variation 2971929 (VCV002971929.3), dbSNP rs2040598254, ClinGen allele CA411232462.
Genomic context (GRCh38, chr22:30,933,006, plus strand): 5'-ACCACATGCTTGCCCACCTCCACGGCTGTGACACGGCCCGTGTACCACTCCCTGTTCACA[C>T]GCACCTCCACGTGCAGCCCTTTATCTGACAATGTAGACAGAGGTGCGAGTCAGAAAACTA-3'
Protein context (NP_001290185.1, residues 792-812): QKDKGLHVEV[Arg802His]VNREWYTGRV

ClinVar aggregate classification (germline): Uncertain significance (1 of 4 stars; one submission).

Conditions:
Charcot-Marie-Tooth disease axonal type 2Z. Also called: CHARCOT-MARIE-TOOTH DISEASE, AXONAL, AUTOSOMAL DOMINANT, TYPE 2Z; CHARCOT-MARIE-TOOTH NEUROPATHY, TYPE 2Z. Identifiers: Orphanet 466768, MedGen C5569025, MONDO:0014736, OMIM 616688.

Allele frequency attached by ClinVar (database versions not stated): TOPMed below 0.00001; gnomAD exomes below 0.00001.
gnomAD v4.1: 5 of 1,614,142 alleles (0.00031%); highest among the groups gnomAD compares: African/African-American, 0.0027%; no homozygotes.

Submission:

Labcorp Genetics (formerly Invitae), Labcorp
Classification: Uncertain significance for Charcot-Marie-Tooth disease axonal type 2Z. Last evaluated: 2025-12-01. Review status: criteria provided, single submitter. Criteria: Invitae Variant Classification Sherloc (09022015). Collection method: clinical testing. Allele origin: germline.
Comment: This sequence change replaces arginine, which is basic and polar, with histidine, which is basic and polar, at codon 802 of the MORC2 protein (p.Arg802His). This variant is not present in population databases (gnomAD no frequency). This variant has not been reported in the literature in individuals affected with MORC2-related conditions. ClinVar contains an entry for this variant (Variation ID: 2971929). Invitae Evidence Modeling of protein sequence and biophysical properties (such as structural, functional, and spatial information, amino acid conservation, physicochemical variation, residue mobility, and thermodynamic stability) has been performed for this missense variant. However, the output from this modeling did not meet the statistical confidence thresholds required to predict the impact of this variant on MORC2 protein function. In summary, the available evidence is currently insufficient to determine the role of this variant in disease. Therefore, it has been classified as a Variant of Uncertain Significance.